The following is an entry in ClinVar:

ClinVar aggregate classification (germline): Uncertain significance (1 of 4 stars; one submission).

Submission:

GeneDx
Classification: Uncertain significance. Last evaluated: 2023-01-04. Review status: criteria provided, single submitter. Criteria: GeneDx Variant Classification Process June 2021. Collection method: clinical testing. Allele origin: germline. Affected: yes.
Comment: Not observed at significant frequency in large population cohorts (gnomAD); In silico analysis supports that this missense variant has a deleterious effect on protein structure/function; Has not been previously published as pathogenic or benign to our knowledge

NM_001378183.1(PIEZO2):c.3947T>C (p.Val1316Ala)

Gene: PIEZO2 (piezo type mechanosensitive ion channel component 2; minus strand). Cytogenetic location: 18p11.22.
Variant type: single nucleotide variant.
Coding change: c.3947T>C on transcript NM_001378183.1 (MANE Select); coding-DNA position 3947, T replaced by C.
Protein change: p.Val1316Ala; replaces valine 1316 with alanine.
Molecular consequence: missense variant.
Genome position (GRCh38, 1-based): chr18:10,752,856, A>G on the plus strand (T>C on the coding strand, the complement: PIEZO2 is on the minus strand). VCF-style: chr18-10752856-A-G. GRCh37 (hg19) VCF-style: chr18-10752854-A-G.
Other names: c.3947T>C, p.Val1316Ala (NM_001410871.1); c.3872T>C, p.Val1291Ala (NM_022068.4); short protein forms V1291A, V1316A.
Identifiers: ClinVar variation 2571846 (VCV002571846.1), dbSNP rs2510610029, ClinGen allele CA401920096.